The following is an entry in ClinVar:

NM_000540.3(RYR1):c.3437A>G (p.Asp1146Gly)

Gene: RYR1 (ryanodine receptor 1; plus strand). Cytogenetic location: 19q13.2.
Variant type: single nucleotide variant.
Coding change: c.3437A>G on transcript NM_000540.3 (MANE Select); coding-DNA position 3437, A replaced by G.
Protein change: p.Asp1146Gly; replaces aspartic acid 1146 with glycine.
Molecular consequence: missense variant.
Genome position (GRCh38, 1-based): chr19:38,469,021, A>G. VCF-style: chr19-38469021-A-G. GRCh37 (hg19) VCF-style: chr19-38959661-A-G.
Other names: c.3437A>G, p.Asp1146Gly (NM_001042723.2); short protein forms D1146G.
Identifiers: ClinVar variation 2133099 (VCV002133099.4), dbSNP rs2514113147, ClinGen allele CA405638425.

ClinVar aggregate classification (germline): Uncertain significance (1 of 4 stars; one submission).

Conditions:
RYR1-related disorder. Also called: RYR1-related condition; RYR1-related disorders. Identifiers: MedGen CN239331.

Submission:

Labcorp Genetics (formerly Invitae), Labcorp
Classification: Uncertain significance for RYR1-related disorder. Last evaluated: 2022-05-26. Review status: criteria provided, single submitter. Criteria: Invitae Variant Classification Sherloc (09022015). Collection method: clinical testing. Allele origin: germline.
Comment: In summary, the available evidence is currently insufficient to determine the role of this variant in disease. Therefore, it has been classified as a Variant of Uncertain Significance. This variant is not present in population databases (gnomAD no frequency). This sequence change replaces aspartic acid, which is acidic and polar, with glycine, which is neutral and non-polar, at codon 1146 of the RYR1 protein (p.Asp1146Gly). This variant has not been reported in the literature in individuals affected with RYR1-related conditions. Advanced modeling of protein sequence and biophysical properties (such as structural, functional, and spatial information, amino acid conservation, physicochemical variation, residue mobility, and thermodynamic stability) performed at Invitae indicates that this missense variant is expected to disrupt RYR1 protein function.